The following is an entry in ClinVar:

ClinVar aggregate classification (germline): Conflicting classifications of pathogenicity. Review status: criteria provided, conflicting classifications (1 of 4 stars). 7 submissions from 7 submitters: Uncertain significance (5); Likely benign (2). Last evaluated 2025-06-05.

Conditions:
TTN-related disorder. Also called: TTN-related condition; TTN-related disease; TTN-related disorders.
Dilated cardiomyopathy 1G (CMD1G). Identifiers: Orphanet 154, MedGen C1858763, MONDO:0011400, OMIM 604145.
Autosomal recessive limb-girdle muscular dystrophy type 2J (LGMDR10). Also called: Limb-girdle muscular dystrophy, type 2J; MUSCULAR DYSTROPHY, LIMB-GIRDLE, AUTOSOMAL RECESSIVE 10. Identifiers: Orphanet 140922, MedGen C1837342, MONDO:0012127, OMIM 608807.
Myopathy, myofibrillar, 9, with early respiratory failure (MFM9). Also called: Hereditary myopathy with early respiratory failure; Myopathy, distal, with early respiratory failure, autosomal dominant; EDSTROM MYOPATHY; MYOPATHY, PROXIMAL, WITH EARLY RESPIRATORY MUSCLE INVOLVEMENT. Identifiers: Orphanet 178464, Orphanet 34521, MedGen C1863599, MONDO:0011362, OMIM 603689.
Tibial muscular dystrophy (TMD). Also called: Udd Distal Myopathy – Tibial Muscular Dystrophy; Tibial muscular dystrophy, tardive; UDD MYOPATHY. Identifiers: Orphanet 609, MedGen C1838244, MONDO:0010870, OMIM 600334.
Early-onset myopathy with fatal cardiomyopathy (CMYO5). Also called: Salih Myopathy; CONGENITAL MYOPATHY 5 WITH CARDIOMYOPATHY. Identifiers: Orphanet 289377, MedGen C2673677, MONDO:0012714, OMIM 611705. Disease mechanism: loss of function.
Hypertrophic cardiomyopathy 9. Also called: Familial hypertrophic cardiomyopathy 9. Identifiers: MedGen C1861065, MONDO:0013412, OMIM 613765.

Allele frequency attached by ClinVar (database versions not stated): gnomAD 0.00004; TOPMed 0.00005; ExAC 0.00008; gnomAD exomes 0.00009.
gnomAD v4.1: 75 of 1,613,594 alleles (0.0046%); highest among the groups gnomAD compares: Admixed American, 0.015%; no homozygotes.

Submissions (7):

PreventionGenetics, part of Exact Sciences
Classification: Uncertain significance for TTN-related condition. Last evaluated: 2025-06-05. Review status: criteria provided, single submitter. Criteria: ACMG Guidelines, 2015. Collection method: clinical testing. Allele origin: germline.
Comment: The TTN c.24344G>A variant is predicted to result in the amino acid substitution p.Ser8115Asn. To our knowledge, this variant has not been reported in the literature. This variant is reported in 0.040% of alleles in individuals of Ashkenazi Jewish descent in gnomAD. At this time, the clinical significance of this variant is uncertain due to the absence of conclusive functional and genetic evidence.

Molecular Diagnostic Laboratory for Inherited Cardiovascular Disease, Montreal Heart Institute
Classification: Likely benign. Last evaluated: 2025-04-09. Review status: criteria provided, single submitter. Criteria: ACMG Guidelines, 2015. Collection method: clinical testing. Allele origin: germline. Affected: no.

CeGaT Center for Human Genetics Tuebingen
Classification: Likely benign. Last evaluated: 2024-07-01. Review status: criteria provided, single submitter. Criteria: CeGaT Center For Human Genetics Tuebingen Variant Classification Criteria Version 2. Collection method: clinical testing. Allele origin: germline. Affected: yes. Observed: 1 variant allele.
Comment: TTN: BP4

Fulgent Genetics
Classification: Uncertain significance for Tibial muscular dystrophy; Myopathy, myofibrillar, 9, with early respiratory failure; Dilated cardiomyopathy 1G; Autosomal recessive limb-girdle muscular dystrophy type 2J; Early-onset myopathy with fatal cardiomyopathy; Hypertrophic cardiomyopathy 9. Last evaluated: 2024-06-10. Review status: criteria provided, single submitter. Criteria: ACMG Guidelines, 2015. Collection method: clinical testing. Allele origin: germline.

Revvity Omics, Revvity
Classification: Uncertain significance. Last evaluated: 2020-06-08. Review status: criteria provided, single submitter. Criteria: ACMG Guidelines, 2015. Collection method: clinical testing. Allele origin: germline.

Labcorp Genetics (formerly Invitae), Labcorp
Classification: Uncertain significance for Dilated cardiomyopathy 1G; Autosomal recessive limb-girdle muscular dystrophy type 2J. Last evaluated: 2017-07-13. Review status: criteria provided, single submitter. Criteria: Invitae Variant Classification Sherloc (09022015). Collection method: clinical testing. Allele origin: germline.

Laboratory for Molecular Medicine, Mass General Brigham Personalized Medicine
Classification: Uncertain significance. Last evaluated: 2012-07-24. Review status: criteria provided, single submitter. Criteria: LMM Criteria. Collection method: clinical testing. Allele origin: germline. Observed: 1 variant allele.
Comment: The Ser6871Asn variant in TTN has not been reported in the literature nor previo usly identified by our laboratory. Computational analyses (biochemical amino aci d properties, conservation, AlignGVGD, and PolyPhen2) suggest that the Ser6871As n variant may not impact the protein, though this information is not predictive enough to rule out pathogenicity. Additional information is needed to fully asse ss the clinical significance of the Ser6871Asn variant.

NM_001267550.2(TTN):c.24344G>A (p.Ser8115Asn)

Gene: TTN (titin; minus strand). Cytogenetic location: 2q31.2.
Variant type: single nucleotide variant.
Coding change: c.24344G>A on transcript NM_001267550.2 (MANE Select); coding-DNA position 24344, G replaced by A.
Protein change: p.Ser8115Asn; replaces serine 8115 with asparagine.
Molecular consequence: missense variant. On other transcripts: intron variant (3).
Genome position (GRCh38, 1-based): chr2:178,718,856, C>T on the plus strand (G>A on the coding strand, the complement: TTN is on the minus strand). VCF-style: chr2-178718856-C-T. GRCh37 (hg19) VCF-style: chr2-179583583-C-T.
Other names: c.20612G>A, p.Ser6871Asn (NM_133378.4); c.23393G>A, p.Ser7798Asn (NM_001256850.1); c.13282+19226G>A (NM_003319.4); c.13858+19226G>A (NM_133437.4); c.13657+19226G>A (NM_133432.3); short protein forms S8115N, S6871N, S7798N.
Identifiers: ClinVar variation 46729 (VCV000046729.31), dbSNP rs397517506, ClinGen allele CA139062.
Genomic context (GRCh38, chr2:178,718,856, plus strand): 5'-AGTTCTGTGACAAAATCTTCCAGAGAGATGTTGCATGACTCCCCAGGCACCAGTTCCCTG[C>T]TGCCTTTAAACCACTTGACCTTGAAAGGAGGGGTGCCTCTGATGACACTGGTGAATGTGA-3'
Protein context (NP_001254479.2, residues 8105-8125): PPFKVKWFKG[Ser8115Asn]RELVPGESCN